The following is an entry in ClinVar:

NM_001008537.3(NEXMIF):c.3987T>A (p.Asp1329Glu)

Gene: NEXMIF (neurite extension and migration factor; minus strand). Cytogenetic location: Xq13.3.
Variant type: single nucleotide variant.
Coding change: c.3987T>A on transcript NM_001008537.3 (MANE Select); coding-DNA position 3987, T replaced by A.
Protein change: p.Asp1329Glu; replaces aspartic acid 1329 with glutamic acid.
Molecular consequence: missense variant.
Genome position (GRCh38, 1-based): chrX:74,740,570, A>T on the plus strand (T>A on the coding strand, the complement: NEXMIF is on the minus strand). VCF-style: chrX-74740570-A-T. GRCh37 (hg19) VCF-style: chrX-73960405-A-T.
Other names: short protein forms D1329E.
Identifiers: ClinVar variation 3250452 (VCV003250452.1), dbSNP rs2519911432.

ClinVar aggregate classification (germline): Uncertain significance (1 of 4 stars; one submission).

Conditions:
X-linked intellectual disability, Cantagrel type (XLID98). Also called: INTELLECTUAL DEVELOPMENTAL DISORDER, X-LINKED 98. Identifiers: Orphanet 85277, MedGen C3806730, MONDO:0010483, OMIM 300912.

Submission:

Neuberg Centre For Genomic Medicine, NCGM
Classification: Uncertain significance for X-linked intellectual disability, Cantagrel type. Review status: criteria provided, single submitter. Criteria: ACMG Guidelines, 2015. Collection method: clinical testing. Allele origin: germline. Inheritance: X-linked dominant inheritance. Affected: yes.
Comment: The observed missense c.3987T>A (p.Asp1329Glu) variant in NEXMIF gene has not been reported previously as a pathogenic variant nor as a benign variant, to our knowledge. The p.Asp1329Glu variant is absent in gnomAD Exomes. This variant has not been submitted to the ClinVar database. The amino acid change p.Asp1329Glu in NEXMIF is predicted as conserved by GERP++ and PhyloP across 100 vertebrates. The amino acid Asp at position 1329 is changed to a Glu changing protein sequence and it might alter its composition and physico-chemical properties. For these reasons, this variant has been classified as a Variant of Uncertain Significance (VUS).